The following is an entry in ClinVar:

NM_002541.4(OGDH):c.171T>C (p.Tyr57=)

Gene: OGDH (oxoglutarate dehydrogenase; plus strand). Cytogenetic location: 7p13.
Variant type: single nucleotide variant.
Coding change: c.171T>C on transcript NM_002541.4 (MANE Select); coding-DNA position 171, T replaced by C.
Protein change: p.Tyr57=; no amino-acid change (tyrosine 57 retained).
Molecular consequence: synonymous variant.
Genome position (GRCh38, 1-based): chr7:44,624,514, T>C. VCF-style: chr7-44624514-T-C. GRCh37 (hg19) VCF-style: chr7-44664113-T-C.
Other names: c.171T>C, p.Tyr57= (NM_001003941.3, NM_001165036.2, NM_001363523.2).
Identifiers: ClinVar variation 3044784 (VCV003044784.2), dbSNP rs1379909736, ClinGen allele CA454865700.

ClinVar aggregate classification (germline): Likely benign (0 of 4 stars; one submission).

Conditions:
OGDH-related disorder. Also called: OGDH-related condition.

Allele frequency attached by ClinVar (database versions not stated): gnomAD exomes below 0.00001; TOPMed 0.00001.
gnomAD v4.1: 2 of 1,613,962 alleles (0.00012%); highest among the groups gnomAD compares: Non-Finnish European, 0.00017%; no homozygotes.

Submission:

PreventionGenetics, part of Exact Sciences
Classification: Likely benign for OGDH-related condition. Last evaluated: 2022-10-12. Review status: no assertion criteria provided. Collection method: clinical testing. Allele origin: germline.
Comment: This variant is classified as likely benign based on ACMG/AMP sequence variant interpretation guidelines (Richards et al. 2015 PMID: 25741868, with internal and published modifications).